The following is an entry in ClinVar:

NM_001330723.2(SNX27):c.1289C>T (p.Pro430Leu)

Gene: SNX27 (sorting nexin 27; plus strand). Cytogenetic location: 1q21.3.
Variant type: single nucleotide variant.
Coding change: c.1289C>T on transcript NM_001330723.2 (MANE Select); coding-DNA position 1289, C replaced by T.
Protein change: p.Pro430Leu; replaces proline 430 with leucine.
Molecular consequence: missense variant.
Genome position (GRCh38, 1-based): chr1:151,692,484, C>T. VCF-style: chr1-151692484-C-T. GRCh37 (hg19) VCF-style: chr1-151664960-C-T.
Other names: c.1289C>T, p.Pro430Leu (NM_030918.6); short protein forms P430L.
Identifiers: ClinVar variation 857358 (VCV000857358.10), dbSNP rs1671500919, ClinGen allele CA341971992.

ClinVar aggregate classification (germline): Uncertain significance (1 of 4 stars; one submission).

Conditions:
Severe myoclonic epilepsy in infancy (DRVT). Also called: SEVERE MYOCLONIC EPILEPSY OF INFANCY; DEVELOPMENTAL AND EPILEPTIC ENCEPHALOPATHY 6A; Severe Myoclonic Epilepsy in Infancy (SMEI); Dravet syndrome; Epileptic encephalopathy, early infantile, 6 (Dravet syndrome). Identifiers: Orphanet 33069, MedGen C0751122, MONDO:0100135, OMIM 607208.

Submission:

Labcorp Genetics (formerly Invitae), Labcorp
Classification: Uncertain significance for Severe myoclonic epilepsy in infancy. Last evaluated: 2019-04-16. Review status: criteria provided, single submitter. Criteria: Invitae Variant Classification Sherloc (09022015). Collection method: clinical testing. Allele origin: germline.
Comment: This variant has not been reported in the literature in individuals with SNX27-related conditions. Algorithms developed to predict the effect of missense changes on protein structure and function are either unavailable or do not agree on the potential impact of this missense change (SIFT: "Deleterious"; PolyPhen-2: "Possibly Damaging"; Align-GVGD: "Class C0"). In summary, the available evidence is currently insufficient to determine the role of this variant in disease. Therefore, it has been classified as a Variant of Uncertain Significance. This variant is not present in population databases (ExAC no frequency). This sequence change replaces proline with leucine at codon 430 of the SNX27 protein (p.Pro430Leu). The proline residue is highly conserved and there is a moderate physicochemical difference between proline and leucine.